The following is an entry in ClinVar:

NM_001040108.2(MLH3):c.3047A>T (p.Gln1016Leu)

Gene: MLH3 (mutL homolog 3; minus strand). Cytogenetic location: 14q24.3.
Variant type: single nucleotide variant.
Coding change: c.3047A>T on transcript NM_001040108.2 (MANE Select); coding-DNA position 3047, A replaced by T.
Protein change: p.Gln1016Leu; replaces glutamine 1016 with leucine.
Molecular consequence: missense variant.
Genome position (GRCh38, 1-based): chr14:75,046,609, T>A on the plus strand (A>T on the coding strand, the complement: MLH3 is on the minus strand). VCF-style: chr14-75046609-T-A. GRCh37 (hg19) VCF-style: chr14-75513312-T-A.
Other names: c.3047A>T, p.Gln1016Leu (NM_014381.3); short protein forms Q1016L.
Identifiers: ClinVar variation 2706638 (VCV002706638.3), dbSNP rs2503255082, ClinGen allele CA390436754.

ClinVar aggregate classification (germline): Uncertain significance (1 of 4 stars; one submission).

Conditions:
Colorectal cancer, hereditary nonpolyposis, type 7. Identifiers: Orphanet 144, MedGen C1858380, MONDO:0013725, OMIM 614385.

Submission:

Labcorp Genetics (formerly Invitae), Labcorp
Classification: Uncertain significance for Colorectal cancer, hereditary nonpolyposis, type 7. Last evaluated: 2023-06-09. Review status: criteria provided, single submitter. Criteria: Invitae Variant Classification Sherloc (09022015). Collection method: clinical testing. Allele origin: germline.
Comment: In summary, the available evidence is currently insufficient to determine the role of this variant in disease. Therefore, it has been classified as a Variant of Uncertain Significance. An algorithm developed to predict the effect of missense changes on protein structure and function (PolyPhen-2) suggests that this variant is likely to be disruptive. This variant has not been reported in the literature in individuals affected with MLH3-related conditions. This variant is not present in population databases (gnomAD no frequency). This sequence change replaces glutamine, which is neutral and polar, with leucine, which is neutral and non-polar, at codon 1016 of the MLH3 protein (p.Gln1016Leu).